The following is an entry in ClinVar:

NM_000815.5(GABRD):c.1202C>G (p.Thr401Arg)

Gene: GABRD (gamma-aminobutyric acid type A receptor subunit delta; plus strand). Cytogenetic location: 1p36.33.
Variant type: single nucleotide variant.
Coding change: c.1202C>G on transcript NM_000815.5 (MANE Select); coding-DNA position 1202, C replaced by G.
Protein change: p.Thr401Arg; replaces threonine 401 with arginine.
Molecular consequence: missense variant.
Genome position (GRCh38, 1-based): chr1:2,030,125, C>G. VCF-style: chr1-2030125-C-G. GRCh37 (hg19) VCF-style: chr1-1961564-C-G.
Other names: short protein forms T401R.
Identifiers: ClinVar variation 650153 (VCV000650153.8), dbSNP rs116604393, ClinGen allele CA337960764.

ClinVar aggregate classification (germline): Uncertain significance (1 of 4 stars; one submission).

Conditions:
Idiopathic generalized epilepsy. Also called: Generalised epilepsy; EIG. Identifiers: MedGen C0270850, MONDO:0005579, OMIM 600669.

gnomAD v4.1: 2 of 1,580,476 alleles (0.00013%); highest among the groups gnomAD compares: Non-Finnish European, 0.00017%; no homozygotes.

Submission:

Labcorp Genetics (formerly Invitae), Labcorp
Classification: Uncertain significance for Idiopathic generalized epilepsy. Last evaluated: 2018-10-18. Review status: criteria provided, single submitter. Criteria: Invitae Variant Classification Sherloc (09022015). Collection method: clinical testing. Allele origin: germline.
Comment: In summary, the available evidence is currently insufficient to determine the role of this variant in disease. Therefore, it has been classified as a Variant of Uncertain Significance. Algorithms developed to predict the effect of missense changes on protein structure and function (SIFT, PolyPhen-2, Align-GVGD) all suggest that this variant is likely to be tolerated, but these predictions have not been confirmed by published functional studies and their clinical significance is uncertain. This variant has not been reported in the literature in individuals with GABRD-related disease. This variant is not present in population databases (ExAC no frequency). This sequence change replaces threonine with arginine at codon 401 of the GABRD protein (p.Thr401Arg). The threonine residue is weakly conserved and there is a moderate physicochemical difference between threonine and arginine.